The following is an entry in ClinVar:

ClinVar aggregate classification (germline): Uncertain significance (1 of 4 stars; one submission).

Conditions:
Infiltrating duct carcinoma of breast. Also called: Invasive ductal breast carcinoma; Invasive Ductal Carcinoma, Not Otherwise Specified. Identifiers: MedGen C1412014, MONDO:0004953.

Submission:

Petrovsky National Research Centre of Surgery, The Federal Agency for Scientific Organizations
Classification: Uncertain significance for Infiltrating duct carcinoma of breast. Last evaluated: 2026-04-09. Review status: criteria provided, single submitter. Criteria: ACMG Guidelines, 2015. Collection method: clinical testing. Allele origin: germline. Affected: yes. Observed: 1 variant allele.
Comment: The variant is not in The Genome Aggregation Database (gnomAD) v4.1.0. (Date of access 2026-04-09). In accordance with ACMG (2015) criteria this variant is classified as Uncertain significance with following criteria selected: PM2, PP3.

NM_002691.4(POLD1):c.1875G>T (p.Gly625=)

Gene: POLD1 (DNA polymerase delta 1, catalytic subunit; plus strand). Cytogenetic location: 19q13.33.
Variant type: single nucleotide variant.
Coding change: c.1875G>T on transcript NM_002691.4 (MANE Select); coding-DNA position 1875, G replaced by T.
Protein change: p.Gly625=; no amino-acid change (glycine 625 retained).
Molecular consequence: synonymous variant. On other transcripts: non-coding transcript variant (1).
Genome position (GRCh38, 1-based): chr19:50,408,884, G>T. VCF-style: chr19-50408884-G-T. GRCh37 (hg19) VCF-style: chr19-50912141-G-T.
Other names: c.1875G>T, p.Gly625= (NM_001256849.1, NM_001438210.1, NM_001438211.1 and 2 more transcripts); c.1953G>T, p.Gly651= (NM_001308632.1).
Identifiers: ClinVar variation 4819602 (VCV004819602.1).